The following is an entry in ClinVar:

NM_006230.4(POLD2):c.1249+1G>C

Gene: POLD2 (DNA polymerase delta 2, accessory subunit; minus strand). Cytogenetic location: 7p13.
Variant type: single nucleotide variant.
Coding change: c.1249+1G>C on transcript NM_006230.4 (MANE Select); the canonical splice donor site of the intron after coding-DNA position 1249, G replaced by C.
Molecular consequence: splice donor variant.
Genome position (GRCh38, 1-based): chr7:44,115,294, C>G on the plus strand (G>C on the coding strand, the complement: POLD2 is on the minus strand). VCF-style: chr7-44115294-C-G. GRCh37 (hg19) VCF-style: chr7-44154893-C-G.
Other names: c.1249+1G>C (NM_001127218.3, NM_001256879.2).
Identifiers: ClinVar variation 2030670 (VCV002030670.4), dbSNP rs2484374797, ClinGen allele CA367379006.

ClinVar aggregate classification (germline): Uncertain significance (1 of 4 stars; one submission).

Submission:

Labcorp Genetics (formerly Invitae), Labcorp
Classification: Uncertain significance. Last evaluated: 2022-09-15. Review status: criteria provided, single submitter. Criteria: Invitae Variant Classification Sherloc (09022015). Collection method: clinical testing. Allele origin: germline.
Comment: In summary, the available evidence is currently insufficient to determine the role of this variant in disease. Therefore, it has been classified as a Variant of Uncertain Significance. Variants that disrupt the consensus splice site are a relatively common cause of aberrant splicing (PMID: 17576681, 9536098). Algorithms developed to predict the effect of sequence changes on RNA splicing suggest that this variant may disrupt the consensus splice site. This variant has not been reported in the literature in individuals affected with POLD2-related conditions. This variant is not present in population databases (gnomAD no frequency). This sequence change falls in intron 10 of the POLD2 gene. It does not directly change the encoded amino acid sequence of the POLD2 protein. It affects a nucleotide within the consensus splice site.

Literature cited by the submitters: PubMed 17576681; PubMed 9536098.